The following is an entry in ClinVar:

ClinVar aggregate classification (germline): Uncertain significance (1 of 4 stars; one submission).

Conditions:
Rhabdoid tumor predisposition syndrome 2 (RTPS2). Identifiers: Orphanet 231108, Orphanet 69077, MedGen C2750074, MONDO:0013224, OMIM 613325.

Submission:

Labcorp Genetics (formerly Invitae), Labcorp
Classification: Uncertain significance for Rhabdoid tumor predisposition syndrome 2. Last evaluated: 2023-12-13. Review status: criteria provided, single submitter. Criteria: Invitae Variant Classification Sherloc (09022015). Collection method: clinical testing. Allele origin: germline.
Comment: This sequence change replaces threonine, which is neutral and polar, with lysine, which is basic and polar, at codon 629 of the SMARCA4 protein (p.Thr629Lys). This variant is not present in population databases (gnomAD no frequency). This variant has not been reported in the literature in individuals affected with SMARCA4-related conditions. Advanced modeling of protein sequence and biophysical properties (such as structural, functional, and spatial information, amino acid conservation, physicochemical variation, residue mobility, and thermodynamic stability) performed at Invitae indicates that this missense variant is not expected to disrupt SMARCA4 protein function with a negative predictive value of 95%. In summary, the available evidence is currently insufficient to determine the role of this variant in disease. Therefore, it has been classified as a Variant of Uncertain Significance.

NM_003072.5(SMARCA4):c.1886C>A (p.Thr629Lys)

Gene: SMARCA4 (SWI/SNF related BAF chromatin remodeling complex subunit ATPase 4; plus strand). Cytogenetic location: 19p13.2.
Variant type: single nucleotide variant.
Coding change: c.1886C>A on transcript NM_003072.5 (MANE Select); coding-DNA position 1886, C replaced by A.
Protein change: p.Thr629Lys; replaces threonine 629 with lysine.
Molecular consequence: missense variant. On other transcripts: non-coding transcript variant (1).
Genome position (GRCh38, 1-based): chr19:11,003,102, C>A. VCF-style: chr19-11003102-C-A. GRCh37 (hg19) VCF-style: chr19-11113778-C-A.
Other names: c.1886C>A, p.Thr629Lys (NM_001374457.1, NM_001387283.1, NM_001411150.1 and 6 more transcripts); short protein forms T629K.
Identifiers: ClinVar variation 2695120 (VCV002695120.3), dbSNP rs947818318, ClinGen allele CA404051604.